The following is an entry in ClinVar:

NM_005029.4(PITX3):c.636_637dup (p.Gly213fs)

Genes: GBF1 (golgi brefeldin A resistant guanine nucleotide exchange factor 1; plus strand), PITX3 (paired like homeodomain 3; minus strand). Cytogenetic location: 10q24.32.
Variant type: Duplication.
Coding change: c.636_637dup on transcript NM_005029.4 (MANE Select); coding-DNA positions 636 to 637, 2 bases duplicated (TG; older notation c.636_637dupTG).
Protein change: p.Gly213fs; shifts the reading frame from glycine 213.
Molecular consequence: frameshift variant. On other transcripts: 5 prime UTR variant (2).
Genome position (GRCh38, 1-based): chr10:102,230,786-102,230,787, CA duplicated on the plus strand (TG on the coding strand, the reverse complement: PITX3 is on the minus strand). VCF-style (leftmost placement, unchanged base first): chr10-102230785-C-CCA. GRCh37 (hg19) VCF-style: chr10-103990542-C-CCA.
Other names: c.-141_-140dup (NM_001391923.1); c.-279_-278dup (NM_001391924.1); short protein forms G213fs.
Identifiers: ClinVar variation 1456216 (VCV001456216.10), dbSNP rs2133794937, ClinGen allele CA2573145471.

ClinVar aggregate classification (germline): Pathogenic (1 of 4 stars; one submission).

Submission:

Labcorp Genetics (formerly Invitae), Labcorp
Classification: Pathogenic. Last evaluated: 2021-06-14. Review status: criteria provided, single submitter. Criteria: Invitae Variant Classification Sherloc (09022015). Collection method: clinical testing. Allele origin: germline.
Comment: For these reasons, this variant has been classified as Pathogenic. This variant results in an extension of the PITX3 protein. Other variant(s) that result in a similarly extended protein product (p.Gly220Profs*95) have been determined to be pathogenic (PMID: 9620774, 15286169, 24555714, 29405783). This suggests that these extensions are likely to be causative of disease. This variant has not been reported in the literature in individuals with PITX3-related conditions. The frequency data for this variant in the population databases is considered unreliable, as metrics indicate insufficient coverage at this position in the ExAC database. This sequence change results in a frameshift in the PITX3 gene (p.Gly213Valfs*97). While this is not anticipated to result in nonsense mediated decay, it is expected to disrupt the last 90 amino acid(s) of the PITX3 protein and extend the protein by 6 additional amino acid residues.

Literature cited by the submitters: PubMed 9620774; PubMed 15286169; PubMed 24555714; PubMed 29405783.